The following is an entry in ClinVar:

ClinVar aggregate classification (germline): Uncertain significance. Review status: criteria provided, multiple submitters, no conflicts (2 of 4 stars). 2 submissions from 2 submitters: Uncertain significance (2). Last evaluated 2026-05-13.

Conditions:
Inborn genetic diseases. Identifiers: MedGen C0950123, MeSH D030342.
MSX1-related disorder. Also called: MSX1-related condition.

Allele frequency attached by ClinVar (database versions not stated): gnomAD 0.00001; TOPMed 0.00003; gnomAD exomes 0.00007; ExAC 0.00011.

Submissions (2):

PreventionGenetics, part of Exact Sciences
Classification: Uncertain significance for MSX1-related condition. Last evaluated: 2026-05-13. Review status: criteria provided, single submitter. Criteria: ACMG Guidelines, 2015. Collection method: clinical testing. Allele origin: germline.
Comment: The MSX1 c.322G>A variant is predicted to result in the amino acid substitution p.Ala108Thr. To our knowledge, this variant has not been reported in the literature. This variant is reported in 0.0077% of alleles in individuals of European (Non-Finnish) descent in gnomAD. At this time, the clinical significance of this variant is uncertain due to the absence of conclusive functional and genetic evidence.

Ambry Genetics
Classification: Uncertain significance for Inborn genetic diseases. Last evaluated: 2023-01-18. Review status: criteria provided, single submitter. Criteria: Ambry Variant Classification Scheme 2023. Collection method: clinical testing. Allele origin: germline.

NM_002448.3(MSX1):c.322G>A (p.Ala108Thr)

Genes: MSX1 (msh homeobox 1; plus strand), LOC129992137 (ATAC-STARR-seq lymphoblastoid silent region 15219; plus strand). Cytogenetic location: 4p16.2.
Variant type: single nucleotide variant.
Coding change: c.322G>A on transcript NM_002448.3 (MANE Select); coding-DNA position 322, G replaced by A.
Protein change: p.Ala108Thr; replaces alanine 108 with threonine.
Molecular consequence: missense variant.
Genome position (GRCh38, 1-based): chr4:4,860,221, G>A. VCF-style: chr4-4860221-G-A. GRCh37 (hg19) VCF-style: chr4-4861948-G-A.
Other names: short protein forms A108T.
Identifiers: ClinVar variation 2457406 (VCV002457406.3), dbSNP rs771740327, ClinGen allele CA2832944.